The following is an entry in ClinVar:

ClinVar aggregate classification (germline): Uncertain significance. Review status: criteria provided, multiple submitters, no conflicts (2 of 4 stars). 4 submissions from 4 submitters: Uncertain significance (4). Last evaluated 2024-12-06.

Conditions:
Inborn genetic diseases. Identifiers: MedGen C0950123, MeSH D030342.
Oculotrichoanal syndrome (MOTA). Also called: MARLES SYNDROME; Manitoba Oculotrichoanal (MOTA) Syndrome. Identifiers: Orphanet 2717, MedGen C1855425, MONDO:0009560, OMIM 248450.
BNAR syndrome. Also called: Bifid Nose With or Without Anorectal and Renal Anomalies (BNAR) Syndrome. Identifiers: Orphanet 217266, MedGen C2750433, MONDO:0012165, OMIM 608980.
Trigonocephaly 2 (TRIGNO2). Identifiers: Orphanet 3366, MedGen C3280974, MONDO:0013774, OMIM 614485.

Allele frequency attached by ClinVar (database versions not stated): gnomAD exomes 0.00002; ExAC 0.00004; gnomAD 0.00005 and 0.00006; TOPMed 0.00005; ESP Exome Variant Server 0.00008.
gnomAD v4.1: 67 of 1,610,200 alleles (0.0042%); highest among the groups gnomAD compares: Middle Eastern, 0.05%; no homozygotes.

Submissions (4):

Ambry Genetics
Classification: Uncertain significance for Inborn genetic diseases. Last evaluated: 2024-12-06. Review status: criteria provided, single submitter. Criteria: Ambry Variant Classification Scheme 2023. Collection method: clinical testing. Allele origin: germline.

Labcorp Genetics (formerly Invitae), Labcorp
Classification: Uncertain significance. Last evaluated: 2024-10-08. Review status: criteria provided, single submitter. Criteria: Invitae Variant Classification Sherloc (09022015). Collection method: clinical testing. Allele origin: germline.
Comment: This sequence change replaces proline, which is neutral and non-polar, with arginine, which is basic and polar, at codon 193 of the FREM1 protein (p.Pro193Arg). This variant is present in population databases (rs377565472, gnomAD 0.006%). This variant has not been reported in the literature in individuals affected with FREM1-related conditions. ClinVar contains an entry for this variant (Variation ID: 425454). An algorithm developed to predict the effect of missense changes on protein structure and function outputs the following: PolyPhen-2: "Benign". The arginine amino acid residue is found in multiple mammalian species, which suggests that this missense change does not adversely affect protein function. In summary, the available evidence is currently insufficient to determine the role of this variant in disease. Therefore, it has been classified as a Variant of Uncertain Significance.

Fulgent Genetics
Classification: Uncertain significance for Oculotrichoanal syndrome; BNAR syndrome; Trigonocephaly 2. Last evaluated: 2024-05-11. Review status: criteria provided, single submitter. Criteria: ACMG Guidelines, 2015. Collection method: clinical testing. Allele origin: germline.

CeGaT Center for Human Genetics Tuebingen
Classification: Uncertain significance. Last evaluated: 2016-12-01. Review status: criteria provided, single submitter. Criteria: CeGaT Center For Human Genetics Tuebingen Variant Classification Criteria Version 2. Collection method: clinical testing. Allele origin: germline. Affected: yes. Observed: 1 variant allele.

NM_001379081.2(FREM1):c.578C>G (p.Pro193Arg)

Gene: FREM1 (FRAS1 related extracellular matrix 1; minus strand). Cytogenetic location: 9p22.3.
Variant type: single nucleotide variant.
Coding change: c.578C>G on transcript NM_001379081.2 (MANE Select); coding-DNA position 578, C replaced by G.
Protein change: p.Pro193Arg; replaces proline 193 with arginine.
Molecular consequence: missense variant. On other transcripts: non-coding transcript variant (4).
Genome position (GRCh38, 1-based): chr9:14,859,236, G>C on the plus strand (C>G on the coding strand, the complement: FREM1 is on the minus strand). VCF-style: chr9-14859236-G-C. GRCh37 (hg19) VCF-style: chr9-14859234-G-C.
Other names: c.578C>G, p.Pro193Arg (NM_001370060.1, NM_001370063.1, NM_001370065.1 and 1 more transcripts); short protein forms P193R.
Identifiers: ClinVar variation 425454 (VCV000425454.49), dbSNP rs377565472, ClinGen allele CA4991532.